The following is an entry in ClinVar:

NM_138295.5(PKD1L1):c.161-10T>C

Gene: PKD1L1 (polycystin 1 like 1, transient receptor potential channel interacting; minus strand). Cytogenetic location: 7p12.3.
Variant type: single nucleotide variant.
Coding change: c.161-10T>C on transcript NM_138295.5 (MANE Select); 10 bases into the intron before coding-DNA position 161, T replaced by C.
Molecular consequence: intron variant.
Genome position (GRCh38, 1-based): chr7:47,940,327, A>G on the plus strand (T>C on the coding strand, the complement: PKD1L1 is on the minus strand). VCF-style: chr7-47940327-A-G. GRCh37 (hg19) VCF-style: chr7-47979924-A-G.
Identifiers: ClinVar variation 4987408 (VCV004987408.1).

ClinVar aggregate classification (germline): Likely benign (1 of 4 stars; one submission).

Conditions:
PKD1L1-related disorder. Also called: PKD1L1-related condition.

gnomAD v4.1: 37 of 1,601,218 alleles (0.0023%); highest among the groups gnomAD compares: African/African-American, 0.0094%; no homozygotes.

Submission:

PreventionGenetics, part of Exact Sciences
Classification: Likely benign for PKD1L1-related condition. Last evaluated: 2026-03-03. Review status: criteria provided, single submitter. Criteria: ACMG Guidelines, 2015. Collection method: clinical testing. Allele origin: germline.
Comment: This variant is classified as likely benign based on ACMG/AMP sequence variant interpretation guidelines (Richards et al. 2015 PMID: 25741868, with internal and published modifications).